The following is an entry in ClinVar:

ClinVar aggregate classification (germline): Pathogenic. Review status: criteria provided, multiple submitters, no conflicts (2 of 4 stars). 2 submissions from 2 submitters: Pathogenic (2). Last evaluated 2019-07-02.

Conditions:
Hereditary hemorrhagic telangiectasia (HHT). Also called: ORW DISEASE; Osler Weber Rendu syndrome; OSLER-RENDU-WEBER DISEASE; Osler hemorrhagic telangiectasia syndrome. Identifiers: Orphanet 774, MedGen C0039445, MONDO:0019180. Disease mechanism: loss of function.
Cardiovascular phenotype. Identifiers: MedGen CN230736.

Submissions (2):

Labcorp Genetics (formerly Invitae), Labcorp
Classification: Pathogenic for Hereditary hemorrhagic telangiectasia. Last evaluated: 2019-07-02. Review status: criteria provided, single submitter. Criteria: Invitae Variant Classification Sherloc (09022015). Collection method: clinical testing. Allele origin: germline.
Comment: This sequence change creates a premature translational stop signal (p.Gly206Alafs*16) in the ENG gene. It is expected to result in an absent or disrupted protein product. This variant is not present in population databases (ExAC no frequency). This variant has been observed in an individual affected with hereditary hemorrhagic telangiectasia (PMID: 23801935). Loss-of-function variants in ENG are known to be pathogenic (PMID: 15879500, 20656886, 22385575). For these reasons, this variant has been classified as Pathogenic.

Ambry Genetics
Classification: Pathogenic for Cardiovascular phenotype. Last evaluated: 2016-04-26. Review status: criteria provided, single submitter. Criteria: Ambry Variant Classification Scheme 2023. Collection method: clinical testing. Allele origin: germline.
Comment: The c.617delG pathogenic mutation, located in coding exon 5 of the ENG gene, results from a deletion of one nucleotide at nucleotide position 617, causing a translational frameshift with a predicted alternate stop codon (p.G206Afs*16). Since frameshifts are typically deleterious in nature, this alteration is interpreted as a disease-causing mutation (ACMG Recommendations for Standards for Interpretation and Reporting of Sequence Variations. Revision 2007. Genet Med. 2008;10:294).

Literature cited by the submitters: PubMed 23801935 (cited by Labcorp Genetics (formerly Invitae), Labcorp).

NM_001114753.3(ENG):c.617del (p.Gly206fs)

Gene: ENG (endoglin; minus strand). Cytogenetic location: 9q34.11.
Variant type: Deletion.
Coding change: c.617del on transcript NM_001114753.3 (MANE Select); coding-DNA position 617, one base deleted (G; older notation c.617delG).
Protein change: p.Gly206fs; shifts the reading frame from glycine 206.
Molecular consequence: frameshift variant.
Genome position (GRCh38, 1-based): chr9:127,825,767, C deleted on the plus strand (G on the coding strand, the reverse complement: ENG is on the minus strand); the first of 4 consecutive C bases (chr9:127,825,767-127,825,770); deleting any one gives the same sequence. VCF-style (leftmost placement, unchanged base first): chr9-127825766-GC-G. GRCh37 (hg19) VCF-style: chr9-130588045-GC-G.
Other names: c.614delG, p.Gly206Alafs (NM_000118.4, NM_001406715.1); c.71del, p.Gly24fs (NM_001278138.2); short protein forms G206fs, G24fs.
Identifiers: ClinVar variation 943022 (VCV000943022.5), dbSNP rs1830599423, ClinGen allele CA1139661216.